The following is an entry in ClinVar:

ClinVar aggregate classification (germline): Uncertain significance (1 of 4 stars; one submission).

Allele frequency attached by ClinVar (database versions not stated): gnomAD 0.00005 and 0.00006; TOPMed 0.00005; ESP Exome Variant Server 0.00023.
gnomAD v4.1: 41 of 1,613,678 alleles (0.0025%); highest among the groups gnomAD compares: African/African-American, 0.0053%; no homozygotes.

Submission:

Labcorp Genetics (formerly Invitae), Labcorp
Classification: Uncertain significance. Last evaluated: 2022-08-23. Review status: criteria provided, single submitter. Criteria: Invitae Variant Classification Sherloc (09022015). Collection method: clinical testing. Allele origin: germline.
Comment: Variants that disrupt the consensus splice site are a relatively common cause of aberrant splicing (PMID: 17576681, 9536098). Algorithms developed to predict the effect of sequence changes on RNA splicing suggest that this variant is not likely to affect RNA splicing. In summary, the available evidence is currently insufficient to determine the role of this variant in disease. Therefore, it has been classified as a Variant of Uncertain Significance. ClinVar contains an entry for this variant (Variation ID: 1503398). This variant has not been reported in the literature in individuals affected with GHRHR-related conditions. This variant is present in population databases (rs374350459, gnomAD 0.008%). This sequence change falls in intron 12 of the GHRHR gene. It does not directly change the encoded amino acid sequence of the GHRHR protein. It affects a nucleotide within the consensus splice site.

Literature cited by the submitters: PubMed 17576681; PubMed 9536098.

NM_000823.4(GHRHR):c.1146+3G>A

Gene: GHRHR (growth hormone releasing hormone receptor; plus strand). Cytogenetic location: 7p14.3.
Variant type: single nucleotide variant.
Coding change: c.1146+3G>A on transcript NM_000823.4 (MANE Select); 3 bases into the intron after coding-DNA position 1146, G replaced by A.
Molecular consequence: intron variant.
Genome position (GRCh38, 1-based): chr7:30,977,325, G>A. VCF-style: chr7-30977325-G-A. GRCh37 (hg19) VCF-style: chr7-31016940-G-A.
Identifiers: ClinVar variation 1503398 (VCV001503398.6), dbSNP rs374350459, ClinGen allele CA4208811.